The following is an entry in ClinVar:

ClinVar aggregate classification (germline): Conflicting classifications of pathogenicity. Review status: criteria provided, conflicting classifications (1 of 4 stars). 4 submissions from 4 submitters: Pathogenic (1); Likely pathogenic (1); Uncertain significance (2). Last evaluated 2023-09-20.

Conditions:
Mucopolysaccharidosis type 6 (MPS6). Also called: N-ACETYLGALACTOSAMINE-4-SULFATASE DEFICIENCY; MPS VI; MPS 6; Maroteaux Lamy syndrome; ARSB DEFICIENCY; ARYLSULFATASE B DEFICIENCY. Identifiers: Orphanet 583, MedGen C0026709, MONDO:0009661, OMIM 253200.

Submissions (4):

Labcorp Genetics (formerly Invitae), Labcorp
Classification: Pathogenic for Mucopolysaccharidosis type 6. Last evaluated: 2023-09-20. Review status: criteria provided, single submitter. Criteria: Invitae Variant Classification Sherloc (09022015). Collection method: clinical testing. Allele origin: germline.
Comment: ClinVar contains an entry for this variant (Variation ID: 559825). For these reasons, this variant has been classified as Pathogenic. This variant disrupts the p.Gly308 amino acid residue in ARSB. Other variant(s) that disrupt this residue have been determined to be pathogenic (PMID: 17643332, 18406185). This suggests that this residue is clinically significant, and that variants that disrupt this residue are likely to be disease-causing. Advanced modeling of protein sequence and biophysical properties (such as structural, functional, and spatial information, amino acid conservation, physicochemical variation, residue mobility, and thermodynamic stability) performed at Invitae indicates that this missense variant is expected to disrupt ARSB protein function. This missense change has been observed in individual(s) with clinical features of mucopolysaccharidosis type VI (PMID: 24798265). This variant is not present in population databases (gnomAD no frequency). This sequence change replaces glycine, which is neutral and non-polar, with glutamic acid, which is acidic and polar, at codon 308 of the ARSB protein (p.Gly308Glu).

Revvity Omics, Revvity
Classification: Uncertain significance for Mucopolysaccharidosis type 6. Last evaluated: 2023-02-02. Review status: criteria provided, single submitter. Criteria: ACMG Guidelines, 2015. Collection method: clinical testing. Allele origin: germline.

Breakthrough Genomics
Classification: Likely pathogenic for Mucopolysaccharidosis type 6. Last evaluated: 2020-09-09. Review status: criteria provided, single submitter. Criteria: ACMG Guidelines, 2015. Collection method: clinical testing. Allele origin: germline. Affected: yes.
Comment: In addition, several other exon 5 missense variants p.(Gly303Glu) and p.(Pro313Ala) in the vicinity of identified variant have been previously reported in multiple MPS VI patients and was classified as ‘likely pathogenic’ [PMID: 30118150].

Laboratory of Diagnosis and Therapy of Lysosomal Disorders, University of Padova
Classification: Uncertain significance for Mucopolysaccharidosis type 6. Last evaluated: 2018-01-01. Review status: criteria provided, single submitter. Criteria: ACMG Guidelines, 2015. Collection method: curation. Allele origin: germline. Affected: yes.
Comment: Absent from GnomAD (PM2)

Literature cited by the submitters: PubMed 17643332 (cited by Labcorp Genetics (formerly Invitae), Labcorp); PubMed 18406185 (cited by Labcorp Genetics (formerly Invitae), Labcorp); PubMed 24798265 (cited by Labcorp Genetics (formerly Invitae), Labcorp and Laboratory of Diagnosis and Therapy of Lysosomal Disorders, University of Padova); PubMed 30118150 (cited by Laboratory of Diagnosis and Therapy of Lysosomal Disorders, University of Padova).

NM_000046.5(ARSB):c.923G>A (p.Gly308Glu)

Gene: ARSB (arylsulfatase B; minus strand). Cytogenetic location: 5q14.1.
Variant type: single nucleotide variant.
Coding change: c.923G>A on transcript NM_000046.5 (MANE Select); coding-DNA position 923, G replaced by A.
Protein change: p.Gly308Glu; replaces glycine 308 with glutamic acid.
Molecular consequence: missense variant.
Genome position (GRCh38, 1-based): chr5:78,885,803, C>T on the plus strand (G>A on the coding strand, the complement: ARSB is on the minus strand). VCF-style: chr5-78885803-C-T. GRCh37 (hg19) VCF-style: chr5-78181626-C-T.
Other names: p.Gly308Glu; c.923G>A (NM_000046.3); c.923G>A, p.Gly308Glu (NM_198709.3); short protein forms G308E.
Identifiers: ClinVar variation 559825 (VCV000559825.8), dbSNP rs1554079333, ClinGen allele CA360343477.